The following is an entry in ClinVar:

ClinVar aggregate classification (germline): Uncertain significance (1 of 4 stars; one submission).

Submission:

GeneDx
Classification: Uncertain significance. Last evaluated: 2024-09-16. Review status: criteria provided, single submitter. Criteria: GeneDx Variant Classification Process June 2021. Collection method: clinical testing. Allele origin: germline. Affected: yes.
Comment: Has not been previously published as pathogenic or benign to our knowledge; Not observed at significant frequency in large population cohorts (gnomAD); In silico analysis indicates that this missense variant does not alter protein structure/function

NM_000384.3(APOB):c.2380C>A (p.Leu794Ile)

Gene: APOB (apolipoprotein B; minus strand). Cytogenetic location: 2p24.1.
Variant type: single nucleotide variant.
Coding change: c.2380C>A on transcript NM_000384.3 (MANE Select); coding-DNA position 2380, C replaced by A.
Protein change: p.Leu794Ile; replaces leucine 794 with isoleucine.
Molecular consequence: missense variant.
Genome position (GRCh38, 1-based): chr2:21,024,989, G>T on the plus strand (C>A on the coding strand, the complement: APOB is on the minus strand). VCF-style: chr2-21024989-G-T. GRCh37 (hg19) VCF-style: chr2-21247861-G-T.
Other names: short protein forms L794I.
Identifiers: ClinVar variation 3770118 (VCV003770118.1).